The following is an entry in ClinVar:

ClinVar aggregate classification (germline): Uncertain significance. Review status: criteria provided, multiple submitters, no conflicts (2 of 4 stars). 3 submissions from 3 submitters: Uncertain significance (3). Last evaluated 2024-06-06.

Conditions:
Intellectual developmental disorder, autosomal dominant 6, with or without seizures. Also called: GRIN2B-related developmental delay, intellectual disability and autism spectrum disorder; Intellectual disability, autosomal dominant 6. Identifiers: Orphanet 589547, MedGen C3151411, MONDO:0013509, OMIM 613970.
Developmental and epileptic encephalopathy, 27 (DEE27). Also called: Epileptic encephalopathy, early infantile, 27; GRIN2B-Related Neurodevelopmental Disorder. Identifiers: Orphanet 3451, MedGen C4015316, MONDO:0014505, OMIM 616139.

Allele frequency attached by ClinVar (database versions not stated): TOPMed below 0.00001.
gnomAD v4.1: 1 of 1,614,108 alleles (0.000062%); highest among the groups gnomAD compares: South Asian, 0.0011%; no homozygotes.

Submissions (3):

GeneDx
Classification: Uncertain significance. Last evaluated: 2024-06-06. Review status: criteria provided, single submitter. Criteria: GeneDx Variant Classification Process June 2021. Collection method: clinical testing. Allele origin: germline. Affected: yes.
Comment: In silico analysis supports that this missense variant has a deleterious effect on protein structure/function; Not observed at significant frequency in large population cohorts (gnomAD); Has not been previously published as pathogenic or benign to our knowledge

Labcorp Genetics (formerly Invitae), Labcorp
Classification: Uncertain significance for Developmental and epileptic encephalopathy, 27; Intellectual developmental disorder, autosomal dominant 6, with or without seizures. Last evaluated: 2023-12-20. Review status: criteria provided, single submitter. Criteria: Invitae Variant Classification Sherloc (09022015). Collection method: clinical testing. Allele origin: germline.
Comment: This sequence change replaces glycine, which is neutral and non-polar, with aspartic acid, which is acidic and polar, at codon 852 of the GRIN2B protein (p.Gly852Asp). This variant is not present in population databases (gnomAD no frequency). This variant has not been reported in the literature in individuals affected with GRIN2B-related conditions. Advanced modeling of protein sequence and biophysical properties (such as structural, functional, and spatial information, amino acid conservation, physicochemical variation, residue mobility, and thermodynamic stability) has been performed at Invitae for this missense variant, however the output from this modeling did not meet the statistical confidence thresholds required to predict the impact of this variant on GRIN2B protein function. In summary, the available evidence is currently insufficient to determine the role of this variant in disease. Therefore, it has been classified as a Variant of Uncertain Significance.

Neuberg Centre For Genomic Medicine, NCGM
Classification: Uncertain significance for Developmental and epileptic encephalopathy, 27. Last evaluated: 2023-06-22. Review status: criteria provided, single submitter. Criteria: ACMG Guidelines, 2015. Collection method: clinical testing. Allele origin: germline. Inheritance: Autosomal dominant inheritance. Affected: yes.
Comment: The observed missense c.2555G>A(p.Gly852Asp) variant in GRIN2B gene has not been reported previously as a pathogenic variant nor as a benign variant, to our knowledge. This variant is absent in gnomAD Exomes. The amino acid Gly at position 852 is changed to a Asp changing protein sequence and it might alter its composition and physico-chemical properties. The amino acid change p.Gly852Asp in GRIN2B is predicted as conserved by GERP++ and PhyloP across 100 vertebrates. Multiple lines of computational evidence (Polyphen - Damaging, SIFT - Damaging, and MutationTaster - Disease causing) predict a damaging effect on protein structure and function for this variant. For these reasons, this variant has been classified as Uncertain Significance.

NM_000834.5(GRIN2B):c.2555G>A (p.Gly852Asp)

Gene: GRIN2B (glutamate ionotropic receptor NMDA type subunit 2B; minus strand). Cytogenetic location: 12p13.1.
Variant type: single nucleotide variant.
Coding change: c.2555G>A on transcript NM_000834.5 (MANE Select); coding-DNA position 2555, G replaced by A.
Protein change: p.Gly852Asp; replaces glycine 852 with aspartic acid.
Molecular consequence: missense variant.
Genome position (GRCh38, 1-based): chr12:13,567,068, C>T on the plus strand (G>A on the coding strand, the complement: GRIN2B is on the minus strand). VCF-style: chr12-13567068-C-T. GRCh37 (hg19) VCF-style: chr12-13720002-C-T.
Other names: c.2555G>A, p.Gly852Asp (NM_001413992.1); c.2555G>A (NM_000834.3); short protein forms G852D.
Identifiers: ClinVar variation 2921921 (VCV002921921.5), dbSNP rs1168374610, ClinGen allele CA383996036.